The following is an entry in ClinVar:

ClinVar aggregate classification (germline): Uncertain significance. Review status: criteria provided, multiple submitters, no conflicts (2 of 4 stars). 2 submissions from 2 submitters: Uncertain significance (2). Last evaluated 2024-10-26.

Conditions:
Familial cancer of breast. Also called: BREAST CANCER, FAMILIAL; Hereditary breast cancer; hereditary breast carcinoma. Identifiers: Orphanet 227535, MedGen C0346153, MONDO:0016419, OMIM 114480. Disease mechanism: loss of function.
Hereditary cancer-predisposing syndrome. Also called: Tumor predisposition; Neoplastic Syndromes, Hereditary; Hereditary Cancer Syndrome; Hereditary neoplastic syndrome. Identifiers: Orphanet 140162, MedGen C0027672, MeSH D009386, MONDO:0015356.

Submissions (2):

Ambry Genetics
Classification: Uncertain significance for Hereditary cancer-predisposing syndrome. Last evaluated: 2024-10-26. Review status: criteria provided, single submitter. Criteria: Ambry Variant Classification Scheme 2023. Collection method: clinical testing. Allele origin: germline.
Comment: The p.E457A variant (also known as c.1370A>C), located in coding exon 11 of the CHEK2 gene, results from an A to C substitution at nucleotide position 1370. The glutamic acid at codon 457 is replaced by alanine, an amino acid with dissimilar properties. This amino acid position is conserved. In addition, this alteration is predicted to be tolerated by in silico analysis. Based on the available evidence, the clinical significance of this variant remains unclear.

Labcorp Genetics (formerly Invitae), Labcorp
Classification: Uncertain significance for Familial cancer of breast. Last evaluated: 2024-10-26. Review status: criteria provided, single submitter. Criteria: Invitae Variant Classification Sherloc (09022015). Collection method: clinical testing. Allele origin: germline.
Comment: This sequence change replaces glutamic acid, which is acidic and polar, with alanine, which is neutral and non-polar, at codon 457 of the CHEK2 protein (p.Glu457Ala). This variant is not present in population databases (gnomAD no frequency). This variant has not been reported in the literature in individuals affected with CHEK2-related conditions. An algorithm developed to predict the effect of missense changes on protein structure and function (PolyPhen-2) suggests that this variant is likely to be tolerated. In summary, the available evidence is currently insufficient to determine the role of this variant in disease. Therefore, it has been classified as a Variant of Uncertain Significance.

NM_007194.4(CHEK2):c.1370A>C (p.Glu457Ala)

Gene: CHEK2 (checkpoint kinase 2; minus strand). Cytogenetic location: 22q12.1.
Variant type: single nucleotide variant.
Coding change: c.1370A>C on transcript NM_007194.4 (MANE Select); coding-DNA position 1370, A replaced by C.
Protein change: p.Glu457Ala; replaces glutamic acid 457 with alanine.
Molecular consequence: missense variant.
Genome position (GRCh38, 1-based): chr22:28,695,132, T>G on the plus strand (A>C on the coding strand, the complement: CHEK2 is on the minus strand). VCF-style: chr22-28695132-T-G. GRCh37 (hg19) VCF-style: chr22-29091120-T-G.
Other names: c.1499A>C, p.Glu500Ala (NM_001005735.3); c.707A>C, p.Glu236Ala (NM_001257387.3); c.1169A>C, p.Glu390Ala (NM_001349956.3); c.1283A>C, p.Glu428Ala (NM_145862.3); short protein forms E236A, E390A, E428A, E500A, E457A.
Identifiers: ClinVar variation 3492150 (VCV003492150.3).